The following is an entry in ClinVar:

ClinVar aggregate classification (germline): Uncertain significance (1 of 4 stars; one submission).

Conditions:
Werner syndrome (WRN). Identifiers: Orphanet 902, MedGen C0043119, MONDO:0010196, OMIM 277700.

Allele frequency attached by ClinVar (database versions not stated): gnomAD exomes below 0.00001 and 0.00001; ExAC 0.00001; TOPMed 0.00001; gnomAD 0.00002.
gnomAD v4.1: 4 of 1,613,894 alleles (0.00025%); highest among the groups gnomAD compares: Non-Finnish European, 0.00034%; no homozygotes.

Submission:

Labcorp Genetics (formerly Invitae), Labcorp
Classification: Uncertain significance for Werner syndrome. Last evaluated: 2023-03-08. Review status: criteria provided, single submitter. Criteria: Invitae Variant Classification Sherloc (09022015). Collection method: clinical testing. Allele origin: germline.
Comment: In summary, the available evidence is currently insufficient to determine the role of this variant in disease. Therefore, it has been classified as a Variant of Uncertain Significance. An algorithm developed to predict the effect of missense changes on protein structure and function (PolyPhen-2) suggests that this variant is likely to be tolerated. ClinVar contains an entry for this variant (Variation ID: 662205). This variant has not been reported in the literature in individuals affected with WRN-related conditions. This variant is present in population databases (rs745391184, gnomAD 0.002%). This sequence change replaces glutamic acid, which is acidic and polar, with glutamine, which is neutral and polar, at codon 375 of the WRN protein (p.Glu375Gln).

NM_000553.6(WRN):c.1123G>C (p.Glu375Gln)

Gene: WRN (WRN RecQ like helicase; plus strand). Cytogenetic location: 8p12.
Variant type: single nucleotide variant.
Coding change: c.1123G>C on transcript NM_000553.6 (MANE Select); coding-DNA position 1123, G replaced by C.
Protein change: p.Glu375Gln; replaces glutamic acid 375 with glutamine.
Molecular consequence: missense variant.
Genome position (GRCh38, 1-based): chr8:31,081,150, G>C. VCF-style: chr8-31081150-G-C. GRCh37 (hg19) VCF-style: chr8-30938666-G-C.
Other names: short protein forms E375Q.
Identifiers: ClinVar variation 662205 (VCV000662205.5), dbSNP rs745391184, ClinGen allele CA4704253.